The following is an entry in ClinVar:

ClinVar aggregate classification (germline): Pathogenic/Likely pathogenic. Review status: criteria provided, multiple submitters, no conflicts (2 of 4 stars). 2 submissions from 2 submitters: Pathogenic (1); Likely pathogenic (1). Last evaluated 2024-04-06.

Conditions:
Primary ciliary dyskinesia. Also called: Ciliary dyskinesia. Identifiers: Orphanet 244, MedGen C0008780, MONDO:0016575, HP:0012265.
Primary ciliary dyskinesia 14. Also called: CILIARY DYSKINESIA, PRIMARY, 14, WITH OR WITHOUT SITUS INVERSUS. Identifiers: Orphanet 244, MedGen C3151136, MONDO:0013434, OMIM 613807.

Submissions (2):

Fulgent Genetics
Classification: Likely pathogenic for Primary ciliary dyskinesia 14. Last evaluated: 2024-04-06. Review status: criteria provided, single submitter. Criteria: ACMG Guidelines, 2015. Collection method: clinical testing. Allele origin: germline.

Labcorp Genetics (formerly Invitae), Labcorp
Classification: Pathogenic for Primary ciliary dyskinesia. Last evaluated: 2023-11-27. Review status: criteria provided, single submitter. Criteria: Invitae Variant Classification Sherloc (09022015). Collection method: clinical testing. Allele origin: germline.
Comment: This sequence change creates a premature translational stop signal (p.Phe514Glnfs*5) in the CCDC39 gene. It is expected to result in an absent or disrupted protein product. Loss-of-function variants in CCDC39 are known to be pathogenic (PMID: 21131972, 23255504). This variant is not present in population databases (gnomAD no frequency). This premature translational stop signal has been observed in individual(s) with clinical features of primary ciliary dyskinesia (PMID: 23891469). For these reasons, this variant has been classified as Pathogenic.

Literature cited by the submitters: PubMed 21131972 (cited by Labcorp Genetics (formerly Invitae), Labcorp); PubMed 23255504 (cited by Labcorp Genetics (formerly Invitae), Labcorp); PubMed 23891469 (cited by Labcorp Genetics (formerly Invitae), Labcorp).

NM_181426.2(CCDC39):c.1540_1544del (p.Phe514fs)

Gene: CCDC39 (coiled-coil domain 39 molecular ruler complex subunit; minus strand). Cytogenetic location: 3q26.33.
Variant type: Microsatellite.
Coding change: c.1540_1544del on transcript NM_181426.2 (MANE Select); coding-DNA positions 1540 to 1544, 5 bases deleted (TTTAT; older notation c.1540_1544delTTTAT).
Protein change: p.Phe514fs; shifts the reading frame from phenylalanine 514.
Molecular consequence: frameshift variant.
Genome position (GRCh38, 1-based): chr3:180,644,241-180,644,245, ATAAA deleted on the plus strand (TTTAT on the coding strand, the reverse complement: CCDC39 is on the minus strand); deleting any 5 consecutive bases within chr3:180,644,241-180,644,250 gives the same sequence; the c. name uses the placement nearest the transcript's 3' end. VCF-style (leftmost placement, unchanged base first): chr3-180644240-GATAAA-G. GRCh37 (hg19) VCF-style: chr3-180362028-GATAAA-G.
Other names: short protein forms F514fs.
Identifiers: ClinVar variation 1371704 (VCV001371704.9), dbSNP rs2108420039, ClinGen allele CA2577966957.
Genomic context (GRCh38, chr3:180,644,240, plus strand): 5'-TTCATTTATTTTGGTCATAAGGGACTGTTTTTCATCACTGTTTTTACTATGTGCCTTCTT[GATAAA>G]ATAAAGATCATTCTGCAAAAAAGAAAAAAGGTATATAAATGTATGTTTTAAATATTGACA-3'